The following is an entry in ClinVar:

ClinVar aggregate classification (germline): Uncertain significance (1 of 4 stars; one submission).

gnomAD v4.1: 1 of 1,612,070 alleles (0.000062%); highest among the groups gnomAD compares: Non-Finnish European, 0.000085%; no homozygotes.

Submission:

Ambry Genetics
Classification: Uncertain significance. Last evaluated: 2025-07-17. Review status: criteria provided, single submitter. Criteria: Ambry Variant Classification Scheme 2023. Collection method: clinical testing. Allele origin: germline.
Comment: The p.K11M variant (also known as c.32A>T), located in coding exon 1 of the GFI1 gene, results from an A to T substitution at nucleotide position 32. The lysine at codon 11 is replaced by methionine, an amino acid with similar properties. This amino acid position is conserved. In addition, this alteration is predicted to be tolerated by in silico analysis. Based on the available evidence, the clinical significance of this variant remains unclear.

NM_005263.5(GFI1):c.32A>T (p.Lys11Met)

Gene: GFI1 (growth factor independent 1 transcriptional repressor; minus strand). Cytogenetic location: 1p22.1.
Variant type: single nucleotide variant.
Coding change: c.32A>T on transcript NM_005263.5 (MANE Select); coding-DNA position 32, A replaced by T.
Protein change: p.Lys11Met; replaces lysine 11 with methionine.
Molecular consequence: missense variant.
Genome position (GRCh38, 1-based): chr1:92,483,456, T>A on the plus strand (A>T on the coding strand, the complement: GFI1 is on the minus strand). VCF-style: chr1-92483456-T-A. GRCh37 (hg19) VCF-style: chr1-92949013-T-A.
Other names: c.32A>T, p.Lys11Met (NM_001127215.3, NM_001127216.3); short protein forms K11M.
Identifiers: ClinVar variation 4263204 (VCV004263204.1).